The following is an entry in ClinVar:

ClinVar aggregate classification (germline): Benign/Likely benign. Review status: criteria provided, multiple submitters, no conflicts (2 of 4 stars). 5 submissions from 5 submitters: Benign (2); Likely benign (2). 1 of the submissions does not count toward it. Last evaluated 2025-02-05.

Conditions:
Inborn genetic diseases. Identifiers: MedGen C0950123, MeSH D030342.
CREBBP-related disorder. Also called: CREBBP-related disorders; CREBBP-related condition.
Rubinstein-Taybi syndrome (RSTS). Identifiers: Orphanet 783, MedGen C0035934, MONDO:0019188.

Allele frequency attached by ClinVar (database versions not stated): gnomAD 0.00003 and 0.00007; TOPMed 0.00004; gnomAD exomes 0.00005 and 0.00016; 1000 Genomes Project 30x 0.00016; ExAC 0.00027.
gnomAD v4.1: 95 of 1,584,620 alleles (0.006%); highest among the groups gnomAD compares: South Asian, 0.081%; no homozygotes.

Submissions (5):

Labcorp Genetics (formerly Invitae), Labcorp
Classification: Benign for Rubinstein-Taybi syndrome. Last evaluated: 2025-02-05. Review status: criteria provided, single submitter. Criteria: Invitae Variant Classification Sherloc (09022015). Collection method: clinical testing. Allele origin: germline.

Blueprint Genetics
Classification: Likely benign. Last evaluated: 2024-02-13. Review status: criteria provided, single submitter. Criteria: ACMG Guidelines, 2015. Collection method: clinical testing. Allele origin: germline.

CeGaT Center for Human Genetics Tuebingen
Classification: Benign. Last evaluated: 2022-07-01. Review status: criteria provided, single submitter. Criteria: CeGaT Center For Human Genetics Tuebingen Variant Classification Criteria Version 2. Collection method: clinical testing. Allele origin: germline. Affected: yes. Observed: 1 variant allele.
Comment: CREBBP: BS1, BS2

Ambry Genetics
Classification: Likely benign for Inborn genetic diseases. Last evaluated: 2016-10-05. Review status: criteria provided, single submitter. Criteria: Ambry Variant Classification Scheme 2023. Collection method: clinical testing. Allele origin: germline.

PreventionGenetics, part of Exact Sciences
Classification: Likely benign for CREBBP-related condition. Last evaluated: 2024-03-21. Review status: no assertion criteria provided. Collection method: clinical testing. Allele origin: germline. Not counted in ClinVar's aggregate classification.
Comment: This variant is classified as likely benign based on ACMG/AMP sequence variant interpretation guidelines (Richards et al. 2015 PMID: 25741868, with internal and published modifications).

NM_004380.3(CREBBP):c.5958G>A (p.Thr1986=)

Gene: CREBBP (CREB binding lysine acetyltransferase; minus strand). Cytogenetic location: 16p13.3.
Variant type: single nucleotide variant.
Coding change: c.5958G>A on transcript NM_004380.3 (MANE Select); coding-DNA position 5958, G replaced by A.
Protein change: p.Thr1986=; no amino-acid change (threonine 1986 retained).
Molecular consequence: synonymous variant.
Genome position (GRCh38, 1-based): chr16:3,729,089, C>T on the plus strand (G>A on the coding strand, the complement: CREBBP is on the minus strand). VCF-style: chr16-3729089-C-T. GRCh37 (hg19) VCF-style: chr16-3779090-C-T.
Other names: c.5844G>A, p.Thr1948= (NM_001079846.1).
Identifiers: ClinVar variation 588346 (VCV000588346.31), dbSNP rs774747147, ClinGen allele CA7869213.
Genomic context (GRCh38, chr16:3,729,089, plus strand): 5'-GTTGGGTCGGGGCACATTCAGGCTCACGGGGGCCATCTGGCTCCCCGGGGTCCCCATGCC[C>T]GTGCGTCCTGGGGGCATGCTGTTGTTGATGTTCACCCGGTACAGGTGCTGCTGCTGCTGG-3'
Protein context (NP_004371.2, residues 1976-1996): NINNSMPPGR[Thr1986=]GMGTPGSQMA